The following is an entry in ClinVar:

NC_000011.10:g.5227100T>C

Genes: HBB (hemoglobin subunit beta; minus strand), LOC106099062 (HBB recombination region; plus strand), LOC107133510 (origin of replication at HBB; plus strand). Cytogenetic location: 11p15.4.
Variant type: single nucleotide variant.
Genome position: GRCh38 VCF-style: chr11-5227100-T-C. GRCh37 (hg19) VCF-style: chr11-5248330-T-C.
Other names: -29A>G; -29 (A>G); -29A-G, PROMOTER; c.-79A>G (NM_000518.5).
Identifiers: ClinVar variation 15469 (VCV000015469.134), dbSNP rs34598529, ClinGen allele CA125327.

ClinVar aggregate classification (germline): Pathogenic. Review status: criteria provided, multiple submitters, no conflicts (2 of 4 stars). 21 submissions from 21 submitters: Pathogenic (18). 3 of the submissions do not count toward it. Last evaluated 2026-07-30.

Conditions:
Beta-thalassemia HBB/LCRB. Identifiers: MedGen CN322236, MONDO:0013517, OMIM 613985.
Dominant beta-thalassemia. Also called: Beta-thalassemia, dominant inclusion body type. Identifiers: Orphanet 231226, Orphanet 848, MedGen C1858990, MONDO:0011381, OMIM 603902.
Erythrocytosis, familial, 6. Also called: ERYTHROCYTOSIS, BETA-GLOBIN TYPE; POLYCYTHEMIA, BETA-GLOBIN TYPE. Identifiers: MedGen C4693822, MONDO:0054801, OMIM 617980.
Malaria, susceptibility to. Identifiers: Orphanet 673, MedGen C1970028, MONDO:0021024, OMIM 611162.
Hereditary persistence of fetal hemoglobin. Identifiers: MedGen C0019025, MONDO:0020989, OMIM 141749.
METHEMOGLOBINEMIA, BETA TYPE. Also called: Methemoglobinemia, beta-globin type. Identifiers: MedGen C1840779, OMIM 617971.
Heinz body anemia. Also called: Heinz body hemolytic anemia. Identifiers: Orphanet 178330, MedGen C0700299, MONDO:0007705, OMIM 140700, HP:0005511.
Hb SS disease (SCD). Also called: Hemoglobin SS; Sickle cell disease; HbS disease; Hemoglobin S Disease; Sickling disorder due to hemoglobin S; Sickle cell anemia. Identifiers: Orphanet 232, Orphanet 275752, MedGen C0002895, MONDO:0011382, OMIM 603903.
Inborn genetic diseases. Identifiers: MedGen C0950123, MeSH D030342.
HBB-related disorder. Also called: HBB-related disorders; HBB-related condition. Identifiers: MedGen CN239378.
BETA-PLUS-THALASSEMIA. Identifiers: MedGen C3841475.
beta Thalassemia (BTHAL). Also called: Cooley's anemia; Erythroblastic anemia; Mediterranean anemia. Identifiers: Orphanet 848, MedGen C0005283, MONDO:0019402. Disease mechanism: loss of function.

Allele frequency attached by ClinVar (database versions not stated): gnomAD 0.00084 and 0.00091; 1000 Genomes Project 0.00040; TOPMed 0.00117; gnomAD exomes 0.00006; 1000 Genomes Project 30x 0.00062.

Submissions 1 to 9 of 21:

PreventionGenetics, part of Exact Sciences
Classification: Pathogenic for HBB-related condition. Last evaluated: 2026-07-30. Review status: criteria provided, single submitter. Criteria: ACMG Guidelines, 2015. Collection method: clinical testing. Allele origin: germline.
Comment: The HBB c.-79A>G variant is located in the 5' untranslated region. This variant is predicted to disrupt the proximal promoter “TATA” box element resulting in decreased HBB transcription. This variant, historically referred to as c.-29A>G, has been reported to be causative for Beta-Thalassemia in the presence of a second pathogenic HBB allele (see Patient 1 in Antonarakis et al. 1984. PubMed ID: 6583702; Gonzalez-Redondo et al. 1988. PubMed ID: 2458145; HbVar). This variant is reported in 0.32% of alleles in individuals of African descent in gnomAD. This variant is interpreted as pathogenic.

Greenwood Genetic Center Diagnostic Laboratories, Greenwood Genetic Center
Classification: Pathogenic for Beta-thalassemia HBB/LCRB. Last evaluated: 2026-05-29. Review status: criteria provided, single submitter. Criteria: ACMG Guidelines, 2015. Collection method: clinical testing. Allele origin: germline. Affected: yes.
Comment: PS3, PM2, PM3_Strong

Labcorp Genetics (formerly Invitae), Labcorp
Classification: Pathogenic. Last evaluated: 2026-01-28. Review status: criteria provided, single submitter. Criteria: Invitae Variant Classification Sherloc (09022015). Collection method: clinical testing. Allele origin: germline.
Comment: This variant occurs in a non-coding region of the HBB gene. It does not change the encoded amino acid sequence of the HBB protein. This variant is present in population databases (rs34598529, gnomAD 0.3%), and has an allele count higher than expected for a pathogenic variant. This variant has been observed in individuals with autosomal recessive beta thalassemia (PMID: 2123063, 2458145, 3021607, 6583702, 28385923). It has also been observed to segregate with disease in related individuals. This variant is also known as c.-29A>G . Studies have shown that this variant alters HBB gene expression (PMID: 6583702). For these reasons, this variant has been classified as Pathogenic.

Natera, Inc.
Classification: Pathogenic for Beta thalassemia. Last evaluated: 2025-09-26. Review status: criteria provided, single submitter. Criteria: Natera Variant Classification Schema (03/2026). Collection method: clinical testing. Allele origin: germline.
Comment: The c.-79A>G variant in HBB, also known as NC_000011.10:g.5227100T>C, is a 5' untranslated region (UTR) variant located upstream of the translation start codon. The frequency of this variant in the general population is greater than expected for the disorder. This variant has been observed in one or more individuals affected with the associated recessive disease, as either homozygous or compound heterozygous with a second variant (PMID: 34795208, 18976160). Computational prediction algorithms indicate this variant is likely to affect gene or protein function. Given the available evidence, this variant is classified as Pathogenic.

ARUP Laboratories, Molecular Genetics and Genomics, ARUP Laboratories
Classification: Pathogenic. Last evaluated: 2025-07-28. Review status: criteria provided, single submitter. Criteria: ARUP Molecular Germline Variant Investigation Process 2024. Collection method: clinical testing. Allele origin: germline.
Comment: The HBB c.-79A>G variant (rs34598529, HbVar ID: 767), also known as -29 (A>G), is reported in the literature in multiple patients with beta (+) thalassemia, and has been found in a homozygous state or in-trans with another pathogenic HBB variant (Antonarakis 1984, Carrocini 2017, Huang 1986, Ropero 2017, HbVar database and references therein). Functional characterization of this variant indicates a significant reduction of beta globin transcription to 25 percent of normal levels (Antonarakis 1984). This variant is reported as pathogenic by multiple laboratories in ClinVar (Variation ID: 15469), and is found in the African population with an allele frequency of 0.32% (28/8,704 alleles) in the Genome Aggregation Database. The variant lies in the conserved proximal promoter of HBB, and is predicted to affect transcription factor binding. Based on available information, the c.-79A>G variant is considered to be pathogenic. References: Link to HbVar database: Antonarakis S et al. beta-Thalassemia in American Blacks: novel mutations in the "TATA" box and an acceptor splice site. Proc Natl Acad Sci U S A. 1984 81(4):1154-8. PMID: 6583702. Carrocini GCS et al. Mutational Profile of Homozygous B-Thalassemia in Rio de Janeiro, Brazil. Hemoglobin. 2017 Jan;41(1):12-15. PMID: 28366028. Huang S et al. The same "TATA" box beta-thalassemia mutation in Chinese and US blacks: another example of independent origins of mutation. Hum Genet. 1986 74(2):162-4. PMID: 3021607. Ropero P et al. Phenotype of mutations in the promoter region of the B-globin gene. J Clin Pathol. 2017 Oct;70(10):874-878. PMID: 28385923.

Variantyx, Inc.
Classification: Pathogenic for Beta-thalassemia HBB/LCRB. Last evaluated: 2025-03-20. Review status: criteria provided, single submitter. Criteria: Variantyx Assertion Criteria 2022. Collection method: clinical testing. Allele origin: germline.
Comment: This is an intronic variant in the HBB gene (OMIM: 141900). Pathogenic variants in this gene have been associated with autosomal recessive beta-thalassemia. This variant has been reported in the homozygous or compound heterozygous state in several unrelated affected individuals (PMID: 2123063, 2458145) (PM3_Strong). This variant has been observed to segregate with disease in at least 3 individuals from one family (PMID: 2123063) (PP1_Moderate). Functional studies have shown that this variant alters HBB protein function (PMID: 6583702, 19372376) (PS3). This variant has a 0.2718% maximum allele frequency in non-founder control populations. Based on the current evidence, this variant is classified as pathogenic for autosomal recessive beta-thalassemia.

3billion
Classification: Pathogenic for Beta-thalassemia HBB/LCRB. Last evaluated: 2025-03-12. Review status: criteria provided, single submitter. Criteria: ACMG Guidelines, 2015. Collection method: clinical testing. Allele origin: germline. Affected: yes.
Comment: The variant is observed at an extremely low frequency in the gnomAD v4.1.0 dataset (total allele frequency: 0.017%). Predicted Consequence/Location: Non coding variant. The variant has been reported to be in trans with a pathogenic variant as either compound heterozygous or homozygous in at least 2 similarly affected unrelated individuals (PMID: 28366028, 28385923). The variant has been reported at least twice as pathogenic with clinical assertions and evidence for the classification (ClinVar ID: VCV000015469 / PMID: 6583702).Therefore, this variant is classified as Pathogenic according to the recommendation of ACMG/AMP guideline.

Quest Diagnostics Nichols Institute San Juan Capistrano
Classification: Pathogenic. Last evaluated: 2024-11-06. Review status: criteria provided, single submitter. Criteria: Quest Diagnostics criteria. Collection method: clinical testing. Allele origin: unknown.
Comment: The HBB c.-79A>G variant (also known as -29A>G) has been reported in published literature in affected individuals with beta(+)-thalassemia (PMIDs: 28385923 (2017), 26079343 (2015), 18294253 (2008), 9401495 (1997), 2458145 (1988)). The frequency of this variant in the general population, 0.0032 (28/8704 chromosomes (Genome Aggregation Database)), is consistent with pathogenicity. Based on the available information, this variant is classified as pathogenic. Genetic counseling and testing of at-risk relatives are recommended.

Blueprint Genetics
Classification: Pathogenic for HBB-related disorders. Last evaluated: 2024-10-24. Review status: criteria provided, single submitter. Criteria: ACMG Guidelines, 2015. Collection method: clinical testing. Allele origin: germline. Affected: yes. Observed: 5 variant alleles.